The following is an entry in ClinVar:

ClinVar aggregate classification (germline): Likely benign (1 of 4 stars; one submission).

Submission:

CeGaT Center for Human Genetics Tuebingen
Classification: Likely benign. Last evaluated: 2025-07-01. Review status: criteria provided, single submitter. Criteria: CeGaT Center For Human Genetics Tuebingen Variant Classification Criteria Version 2. Collection method: clinical testing. Allele origin: germline. Affected: yes. Observed: 2 variant alleles.
Comment: CEL: BP4, BP7

NM_001807.6(CEL):c.2073C>T (p.Pro691=)

Gene: CEL (carboxyl ester lipase; plus strand). Cytogenetic location: 9q34.13.
Variant type: single nucleotide variant.
Coding change: c.2073C>T on transcript NM_001807.6 (MANE Select); coding-DNA position 2073, C replaced by T.
Protein change: p.Pro691=; no amino-acid change (proline 691 retained).
Molecular consequence: synonymous variant.
Genome position (GRCh38, 1-based): chr9:133,071,575, C>T. VCF-style: chr9-133071575-C-T. GRCh37 (hg19) VCF-style: chr9-135946962-C-T.
Identifiers: ClinVar variation 3341804 (VCV003341804.16).